The following is an entry in ClinVar:

NM_006206.6(PDGFRA):c.464C>G (p.Pro155Arg)

Gene: PDGFRA (platelet derived growth factor receptor alpha; plus strand). Cytogenetic location: 4q12.
Variant type: single nucleotide variant.
Coding change: c.464C>G on transcript NM_006206.6 (MANE Select); coding-DNA position 464, C replaced by G.
Protein change: p.Pro155Arg; replaces proline 155 with arginine.
Molecular consequence: missense variant.
Genome position (GRCh38, 1-based): chr4:54,263,763, C>G. VCF-style: chr4-54263763-C-G. GRCh37 (hg19) VCF-style: chr4-55129930-C-G.
Other names: c.464C>G, p.Pro155Arg (NM_001347827.2, NM_001347829.2); c.539C>G, p.Pro180Arg (NM_001347828.2); c.503C>G, p.Pro168Arg (NM_001347830.2); short protein forms P155R, P180R, P168R.
Identifiers: ClinVar variation 659732 (VCV000659732.9), dbSNP rs1577709360, ClinGen allele CA356889881.

ClinVar aggregate classification (germline): Uncertain significance (1 of 4 stars; one submission).

Conditions:
Gastrointestinal stromal tumor. Also called: Gastrointestinal stromal tumor, somatic; Gastrointestinal stroma tumor. Identifiers: Orphanet 44890, MedGen C0238198, MeSH D046152, MONDO:0011719, OMIM 606764, HP:0100723.

Submission:

Labcorp Genetics (formerly Invitae), Labcorp
Classification: Uncertain significance for Gastrointestinal stromal tumor. Last evaluated: 2018-12-11. Review status: criteria provided, single submitter. Criteria: Invitae Variant Classification Sherloc (09022015). Collection method: clinical testing. Allele origin: germline.
Comment: This sequence change replaces proline with arginine at codon 155 of the PDGFRA protein (p.Pro155Arg). The proline residue is highly conserved and there is a moderate physicochemical difference between proline and arginine. This variant is not present in population databases (ExAC no frequency). This variant has not been reported in the literature in individuals with PDGFRA-related conditions. Algorithms developed to predict the effect of missense changes on protein structure and function are either unavailable or do not agree on the potential impact of this missense change (SIFT: "Deleterious"; PolyPhen-2: "Probably Damaging"; Align-GVGD: "Class C0"). In summary, the available evidence is currently insufficient to determine the role of this variant in disease. Therefore, it has been classified as a Variant of Uncertain Significance.